The following is an entry in ClinVar:

NM_002332.3(LRP1):c.216C>G (p.Cys72Trp)

Gene: LRP1 (LDL receptor related protein 1; plus strand). Cytogenetic location: 12q13.3.
Variant type: single nucleotide variant.
Coding change: c.216C>G on transcript NM_002332.3 (MANE Select); coding-DNA position 216, C replaced by G.
Protein change: p.Cys72Trp; replaces cysteine 72 with tryptophan.
Molecular consequence: missense variant.
Genome position (GRCh38, 1-based): chr12:57,141,399, C>G. VCF-style: chr12-57141399-C-G. GRCh37 (hg19) VCF-style: chr12-57535182-C-G.
Other names: short protein forms C72W.
Identifiers: ClinVar variation 4975185 (VCV004975185.1).

ClinVar aggregate classification (germline): Uncertain significance (1 of 4 stars; one submission).

Submission:

GeneDx
Classification: Uncertain significance. Last evaluated: 2025-09-11. Review status: criteria provided, single submitter. Criteria: GeneDx Variant Classification Process June 2021. Collection method: clinical testing. Allele origin: germline.
Comment: Not observed at significant frequency in large population cohorts (gnomAD); In silico analysis supports that this missense variant has a deleterious effect on protein structure/function; Has not been previously published as pathogenic or benign to our knowledge; Variants in candidate genes are classified as variants of uncertain significance in accordance with ACMG guidelines (PMID: 25741868)